The following is an entry in ClinVar:

NM_014055.4(IFT81):c.631C>G (p.Gln211Glu)

Gene: IFT81 (intraflagellar transport 81; plus strand). Cytogenetic location: 12q24.11.
Variant type: single nucleotide variant.
Coding change: c.631C>G on transcript NM_014055.4 (MANE Select); coding-DNA position 631, C replaced by G.
Protein change: p.Gln211Glu; replaces glutamine 211 with glutamic acid.
Molecular consequence: missense variant. On other transcripts: 5 prime UTR variant (2), non-coding transcript variant (4).
Genome position (GRCh38, 1-based): chr12:110,135,372, C>G. VCF-style: chr12-110135372-C-G. GRCh37 (hg19) VCF-style: chr12-110573177-C-G.
Other names: c.631C>G, p.Gln211Glu (NM_001143779.2, NM_001347946.2, NM_031473.4); c.-136C>G (NM_001347947.2, NM_001347948.2); short protein forms Q211E.
Identifiers: ClinVar variation 2086359 (VCV002086359.4), dbSNP rs2499812726, ClinGen allele CA386910087.
Genomic context (GRCh38, chr12:110,135,372, plus strand): 5'-ATTCCCTTACTGTAGGTTGAGACAGCTCAGAATCATCAATGGATGCTTAAAATAGCAAGG[C>G]AACTTCGAGTTGAAAAAGAGAGAGAAGAATATCTTGCACAACAGAAACAGGAACAAAAGA-3'
Protein context (NP_054774.2, residues 201-221): NHQWMLKIAR[Gln211Glu]LRVEKEREEY

ClinVar aggregate classification (germline): Uncertain significance (1 of 4 stars; one submission).

Submission:

Labcorp Genetics (formerly Invitae), Labcorp
Classification: Uncertain significance. Last evaluated: 2022-01-16. Review status: criteria provided, single submitter. Criteria: Invitae Variant Classification Sherloc (09022015). Collection method: clinical testing. Allele origin: germline.
Comment: In summary, the available evidence is currently insufficient to determine the role of this variant in disease. Therefore, it has been classified as a Variant of Uncertain Significance. Algorithms developed to predict the effect of missense changes on protein structure and function are either unavailable or do not agree on the potential impact of this missense change (SIFT: "Deleterious"; PolyPhen-2: "Benign"; Align-GVGD: "Class C25"). This variant has not been reported in the literature in individuals affected with IFT81-related conditions. This variant is not present in population databases (gnomAD no frequency). This sequence change replaces glutamine, which is neutral and polar, with glutamic acid, which is acidic and polar, at codon 211 of the IFT81 protein (p.Gln211Glu).